The following is an entry in ClinVar:

ClinVar aggregate classification (germline): Likely benign. Review status: criteria provided, multiple submitters, no conflicts (2 of 4 stars). 2 submissions from 2 submitters: Likely benign (2). Last evaluated 2023-11-02.

Conditions:
Wilson disease (WND). Also called: Wilson's disease. Identifiers: Orphanet 905, MedGen C0019202, MONDO:0010200, OMIM 277900. Disease mechanism: loss of function.

gnomAD v4.1: 3 of 1,614,204 alleles (0.00019%); highest among the groups gnomAD compares: East Asian, 0.0067%; no homozygotes.

Submissions (2):

All of Us Research Program, National Institutes of Health
Classification: Likely benign for Wilson disease. Last evaluated: 2023-11-02. Review status: criteria provided, single submitter. Criteria: ACMG Guidelines, 2015. Collection method: clinical testing. Allele origin: germline. Inheritance: Autosomal recessive inheritance. Observed: 2 variant alleles, 2 heterozygotes.
Comment: This study involves interpretation of variants in research participants for the purpose of population health screening. Participant phenotype was not available at the time of variant classification. Additional details can be found in publication PMID: 35346344, PMCID: PMC8962531

Labcorp Genetics (formerly Invitae), Labcorp
Classification: Likely benign for Wilson disease. Last evaluated: 2020-11-25. Review status: criteria provided, single submitter. Criteria: Invitae Variant Classification Sherloc (09022015). Collection method: clinical testing. Allele origin: germline.

NM_000053.4(ATP7B):c.4278C>T (p.Ser1426=)

Gene: ATP7B (ATPase copper transporting beta; minus strand). Cytogenetic location: 13q14.3.
Variant type: single nucleotide variant.
Coding change: c.4278C>T on transcript NM_000053.4 (MANE Select); coding-DNA position 4278, C replaced by T.
Protein change: p.Ser1426=; no amino-acid change (serine 1426 retained).
Molecular consequence: synonymous variant.
Genome position (GRCh38, 1-based): chr13:51,934,876, G>A on the plus strand (C>T on the coding strand, the complement: ATP7B is on the minus strand). VCF-style: chr13-51934876-G-A. GRCh37 (hg19) VCF-style: chr13-52509012-G-A.
Other names: c.3657C>T, p.Ser1219= (NM_001005918.3); c.3945C>T, p.Ser1315= (NM_001243182.2); c.4044C>T, p.Ser1348= (NM_001330578.2); c.4026C>T, p.Ser1342= (NM_001330579.2).
Identifiers: ClinVar variation 1655935 (VCV001655935.9), dbSNP rs1386613610, ClinGen allele CA484024154.
Genomic context (GRCh38, chr13:51,934,876, plus strand): 5'-GTCTGCTGCAGCGCTGTGCCGAGATGGCTTGTCGGACGTCAGGGAGGACAGCGACACCTG[G>A]CTGACATAGCTGACCTGGTCCCATGGTGTGGCCCTGGGGGAGTCCCGCCACCTGTCATCC-3'
Protein context (NP_000044.2, residues 1416-1436): ATPWDQVSYV[Ser1426=]QVSLSSLTSD